The following is an entry in ClinVar:

ClinVar aggregate classification (germline): Uncertain significance (1 of 4 stars; one submission).

gnomAD v4.1: 4 of 1,613,446 alleles (0.00025%); highest among the groups gnomAD compares: African/African-American, 0.0027%; no homozygotes.

Submission:

Dasa
Classification: Uncertain significance. Last evaluated: 2026-02-20. Review status: criteria provided, single submitter. Criteria: DASA Assertion Criteria. Collection method: clinical testing. Allele origin: germline.
Comment: NM_003128.3(SPTBN1):c.2016C>A (p.Ser672Arg) is a missense variant that results in the substitution of serine with arginine. This variant is rare in population databases. The currently available literature and clinical evidence are not sufficient to establish a definitive association between this variant and the reported condition. Therefore, this variant is classified as a variant of uncertain significance.

NM_003128.3(SPTBN1):c.2016C>A (p.Ser672Arg)

Gene: SPTBN1 (spectrin beta, non-erythrocytic 1; plus strand). Cytogenetic location: 2p16.2.
Variant type: single nucleotide variant.
Coding change: c.2016C>A on transcript NM_003128.3 (MANE Select); coding-DNA position 2016, C replaced by A.
Protein change: p.Ser672Arg; replaces serine 672 with arginine.
Molecular consequence: missense variant.
Genome position (GRCh38, 1-based): chr2:54,629,150, C>A. VCF-style: chr2-54629150-C-A. GRCh37 (hg19) VCF-style: chr2-54856287-C-A.
Other names: c.1977C>A, p.Ser659Arg (NM_178313.3); short protein forms S659R, S672R.
Identifiers: ClinVar variation 4881864 (VCV004881864.2).